The following is an entry in ClinVar:

NM_004304.5(ALK):c.1868T>C (p.Val623Ala)

Gene: ALK (ALK receptor tyrosine kinase; minus strand). Cytogenetic location: 2p23.2.
Variant type: single nucleotide variant.
Coding change: c.1868T>C on transcript NM_004304.5 (MANE Select); coding-DNA position 1868, T replaced by C.
Protein change: p.Val623Ala; replaces valine 623 with alanine.
Molecular consequence: missense variant.
Genome position (GRCh38, 1-based): chr2:29,275,446, A>G on the plus strand (T>C on the coding strand, the complement: ALK is on the minus strand). VCF-style: chr2-29275446-A-G. GRCh37 (hg19) VCF-style: chr2-29498312-A-G.
Other names: short protein forms V623A.
Identifiers: ClinVar variation 2186482 (VCV002186482.4), dbSNP rs2465332160, ClinGen allele CA346479946.

ClinVar aggregate classification (germline): Uncertain significance (1 of 4 stars; one submission).

Conditions:
Neuroblastoma, susceptibility to, 3. Also called: ALK-Related Neuroblastic Tumor Susceptibility. Identifiers: Orphanet 635, MedGen C2751681, MONDO:0013083, OMIM 613014.

Allele frequency attached by ClinVar (database versions not stated): gnomAD exomes below 0.00001.
gnomAD v4.1: 2 of 1,614,170 alleles (0.00012%); highest among the groups gnomAD compares: Non-Finnish European, 0.00017%; no homozygotes.

Submission:

Labcorp Genetics (formerly Invitae), Labcorp
Classification: Uncertain significance for Neuroblastoma, susceptibility to, 3. Last evaluated: 2023-09-27. Review status: criteria provided, single submitter. Criteria: Invitae Variant Classification Sherloc (09022015). Collection method: clinical testing. Allele origin: germline.
Comment: This sequence change replaces valine, which is neutral and non-polar, with alanine, which is neutral and non-polar, at codon 623 of the ALK protein (p.Val623Ala). This variant is not present in population databases (gnomAD no frequency). This variant has not been reported in the literature in individuals affected with ALK-related conditions. ClinVar contains an entry for this variant (Variation ID: 2186482). An algorithm developed to predict the effect of missense changes on protein structure and function (PolyPhen-2) suggests that this variant is likely to be disruptive. In summary, the available evidence is currently insufficient to determine the role of this variant in disease. Therefore, it has been classified as a Variant of Uncertain Significance.